The following is an entry in ClinVar:

ClinVar aggregate classification (germline): Uncertain significance (1 of 4 stars; one submission).

Conditions:
X-linked Emery-Dreifuss muscular dystrophy. Also called: Muscular dystrophy, tardive Emery-Dreifuss type, with contractures. Identifiers: Orphanet 261, Orphanet 98863, MedGen C0751337, MONDO:0010680.

Allele frequency attached by ClinVar (database versions not stated): gnomAD exomes below 0.00001 and 0.00001; ExAC 0.00001.
gnomAD v4.1: 1 of 1,208,938 alleles (0.000083%); highest among the groups gnomAD compares: Non-Finnish European, 0.00011%; no homozygotes.

Submission:

Labcorp Genetics (formerly Invitae), Labcorp
Classification: Uncertain significance for X-linked Emery-Dreifuss muscular dystrophy. Last evaluated: 2021-05-04. Review status: criteria provided, single submitter. Criteria: Invitae Variant Classification Sherloc (09022015). Collection method: clinical testing. Allele origin: germline.
Comment: In summary, the available evidence is currently insufficient to determine the role of this variant in disease. Therefore, it has been classified as a Variant of Uncertain Significance. Algorithms developed to predict the effect of missense changes on protein structure and function are either unavailable or do not agree on the potential impact of this missense change (SIFT: "Deleterious"; PolyPhen-2: "Probably Damaging"; Align-GVGD: "Class C15"). This variant has not been reported in the literature in individuals with EMD-related conditions. This variant is present in population databases (rs782208090, ExAC 0.002%). This sequence change replaces tyrosine with serine at codon 243 of the EMD protein (p.Tyr243Ser). The tyrosine residue is highly conserved and there is a large physicochemical difference between tyrosine and serine.

NM_000117.3(EMD):c.728A>C (p.Tyr243Ser)

Gene: EMD (emerin; plus strand). Cytogenetic location: Xq28.
Variant type: single nucleotide variant.
Coding change: c.728A>C on transcript NM_000117.3 (MANE Select); coding-DNA position 728, A replaced by C.
Protein change: p.Tyr243Ser; replaces tyrosine 243 with serine.
Molecular consequence: missense variant.
Genome position (GRCh38, 1-based): chrX:154,381,160, A>C. VCF-style: chrX-154381160-A-C. GRCh37 (hg19) VCF-style: chrX-153609520-A-C.
Other names: short protein forms Y243S.
Identifiers: ClinVar variation 1002033 (VCV001002033.9), dbSNP rs782208090, ClinGen allele CA10561669.